The following is an entry in ClinVar:

ClinVar aggregate classification (germline): Benign/Likely benign. Review status: criteria provided, multiple submitters, no conflicts (2 of 4 stars). 5 submissions from 5 submitters: Benign (1); Likely benign (2). 2 of the submissions do not count toward it. Last evaluated 2026-01-07.

Conditions:
KMT2D-related disorder. Also called: KMT2D-Related Disorders.
Kabuki syndrome. Also called: NIIKAWA-KUROKI SYNDROME; Kabuki make-up syndrome. Identifiers: Orphanet 2322, MedGen C0796004, MONDO:0016512.

Allele frequency attached by ClinVar (database versions not stated): gnomAD exomes 0.00002 and 0.00012; 1000 Genomes Project 0.00040; ExAC 0.00017; TOPMed 0.00019; gnomAD 0.00026 and 0.00027; ESP Exome Variant Server 0.00016; 1000 Genomes Project 30x 0.00047.
gnomAD v4.1: 73 of 1,519,314 alleles (0.0048%); highest among the groups gnomAD compares: African/African-American, 0.063%; 1 homozygote.

Submissions (5):

Labcorp Genetics (formerly Invitae), Labcorp
Classification: Likely benign for Kabuki syndrome. Last evaluated: 2026-01-07. Review status: criteria provided, single submitter. Criteria: Invitae Variant Classification Sherloc (09022015). Collection method: clinical testing. Allele origin: germline.

GeneDx
Classification: Benign. Last evaluated: 2021-03-15. Review status: criteria provided, single submitter. Criteria: GeneDx Variant Classification Process June 2021. Collection method: clinical testing. Allele origin: germline. Affected: yes.

Genetic Services Laboratory, University of Chicago
Classification: Likely benign. Last evaluated: 2021-02-19. Review status: criteria provided, single submitter. Criteria: ACMG Guidelines, 2015. Collection method: clinical testing. Allele origin: germline. Affected: no.

PreventionGenetics, part of Exact Sciences
Classification: Likely benign for KMT2D-related condition. Last evaluated: 2023-01-03. Review status: no assertion criteria provided. Collection method: clinical testing. Allele origin: germline. Not counted in ClinVar's aggregate classification.
Comment: This variant is classified as likely benign based on ACMG/AMP sequence variant interpretation guidelines (Richards et al. 2015 PMID: 25741868, with internal and published modifications).

ITMI
No classification provided. Condition: AllHighlyPenetrant. Last evaluated: 2013-09-19. Review status: no classification provided. Collection method: reference population. Allele origin: germline. Not counted in ClinVar's aggregate classification.
Comment: Please see associated publication for description of ethnicities

Literature cited by the submitters: PubMed 24728327 (cited by ITMI).

NM_003482.4(KMT2D):c.2546C>T (p.Ser849Leu)

Gene: KMT2D (lysine methyltransferase 2D; minus strand). Cytogenetic location: 12q13.12.
Variant type: single nucleotide variant.
Coding change: c.2546C>T on transcript NM_003482.4 (MANE Select); coding-DNA position 2546, C replaced by T.
Protein change: p.Ser849Leu; replaces serine 849 with leucine.
Molecular consequence: missense variant.
Genome position (GRCh38, 1-based): chr12:49,051,137, G>A on the plus strand (C>T on the coding strand, the complement: KMT2D is on the minus strand). VCF-style: chr12-49051137-G-A. GRCh37 (hg19) VCF-style: chr12-49444920-G-A.
Other names: short protein forms S849L.
Identifiers: ClinVar variation 134667 (VCV000134667.20), dbSNP rs370492566, ClinGen allele CA160497.